The following is an entry in ClinVar:

NM_001482.3(GATM):c.617G>A (p.Arg206His)

Gene: GATM (glycine amidinotransferase; minus strand). Cytogenetic location: 15q21.1.
Variant type: single nucleotide variant.
Coding change: c.617G>A on transcript NM_001482.3 (MANE Select); coding-DNA position 617, G replaced by A.
Protein change: p.Arg206His; replaces arginine 206 with histidine.
Molecular consequence: missense variant.
Genome position (GRCh38, 1-based): chr15:45,368,128, C>T on the plus strand (G>A on the coding strand, the complement: GATM is on the minus strand). VCF-style: chr15-45368128-C-T. GRCh37 (hg19) VCF-style: chr15-45660326-C-T.
Other names: c.617G>A (NM_001482.2); c.230G>A, p.Arg77His (NM_001321015.2); short protein forms R206H, R77H.
Identifiers: ClinVar variation 1023065 (VCV001023065.11), dbSNP rs565509522, ClinGen allele CA7542889.

ClinVar aggregate classification (germline): Conflicting classifications of pathogenicity. Review status: criteria provided, conflicting classifications (1 of 4 stars). 3 submissions from 3 submitters: Uncertain significance (2); Likely benign (1). Last evaluated 2026-01-19.

Conditions:
Arginine:glycine amidinotransferase deficiency (CCDS3). Also called: AGAT deficiency; Cerebral creatine deficiency syndrome 3; L-Arginine:Glycine Amidinotransferase Deficiency; Creatine deficiency syndrome due to AGAT deficiency; GATM deficiency; L-Arginine:Glycine Amidinotransferase (AGAT) Deficiency. Identifiers: Orphanet 35704, MedGen C2675179, MONDO:0012996, OMIM 612718.
Inborn genetic diseases. Identifiers: MedGen C0950123, MeSH D030342.

Allele frequency attached by ClinVar (database versions not stated): gnomAD 0.00001; gnomAD exomes 0.00001 and 0.00002; TOPMed 0.00001; ExAC 0.00002; 1000 Genomes Project 30x 0.00016; 1000 Genomes Project 0.00020.

Submissions (3):

Labcorp Genetics (formerly Invitae), Labcorp
Classification: Uncertain significance for Arginine:glycine amidinotransferase deficiency. Last evaluated: 2026-01-19. Review status: criteria provided, single submitter. Criteria: Invitae Variant Classification Sherloc (09022015). Collection method: clinical testing. Allele origin: germline.
Comment: This sequence change replaces arginine, which is basic and polar, with histidine, which is basic and polar, at codon 206 of the GATM protein (p.Arg206His). This variant is present in population databases (rs565509522, gnomAD 0.007%). This variant has not been reported in the literature in individuals affected with GATM-related conditions. ClinVar contains an entry for this variant (Variation ID: 1023065). Invitae Evidence Modeling of protein sequence and biophysical properties (such as structural, functional, and spatial information, amino acid conservation, physicochemical variation, residue mobility, and thermodynamic stability) indicates that this missense variant is not expected to disrupt GATM protein function with a negative predictive value of 95%. In summary, the available evidence is currently insufficient to determine the role of this variant in disease. Therefore, it has been classified as a Variant of Uncertain Significance.

Ambry Genetics
Classification: Likely benign for Inborn genetic diseases. Last evaluated: 2024-05-17. Review status: criteria provided, single submitter. Criteria: Ambry Variant Classification Scheme 2023. Collection method: clinical testing. Allele origin: germline.

GeneDx
Classification: Uncertain significance. Last evaluated: 2024-01-10. Review status: criteria provided, single submitter. Criteria: GeneDx Variant Classification Process June 2021. Collection method: clinical testing. Allele origin: germline. Affected: yes.
Comment: Not observed at significant frequency in large population cohorts (gnomAD); In silico analysis supports that this missense variant does not alter protein structure/function; Has not been previously published as pathogenic or benign to our knowledge